The following is an entry in ClinVar:

NM_000051.4(ATM):c.7424T>G (p.Leu2475Ter)

Genes: ATM (ATM serine/threonine kinase; plus strand), C11orf65 (chromosome 11 open reading frame 65; minus strand). Cytogenetic location: 11q22.3.
Variant type: single nucleotide variant.
Coding change: c.7424T>G on transcript NM_000051.4 (MANE Select); coding-DNA position 7424, T replaced by G.
Protein change: p.Leu2475Ter; replaces leucine 2475 with a stop codon.
Molecular consequence: nonsense. On other transcripts: intron variant (2).
Genome position (GRCh38, 1-based): chr11:108,330,330, T>G. VCF-style: chr11-108330330-T-G. GRCh37 (hg19) VCF-style: chr11-108201057-T-G.
Other names: c.641-21259A>C (NM_001330368.2); c.*38+4890A>C (NM_001351110.2); c.7424T>G, p.Leu2475Ter (NM_001351834.2); short protein forms L2475*.
Identifiers: ClinVar variation 1192513 (VCV001192513.9), dbSNP rs1224883896, ClinGen allele CA382560219.
Genomic context (GRCh38, chr11:108,330,330, plus strand): 5'-TGAAAGAGGATCGTAAACGCTTCTTATGTAAAGCAGTTGAAAATTATATCAACTGCTTAT[T>G]AAGTGGAGAAGAACATGATATGTGGGTATTCCGACTTTGTTCCCTCTGGCTTGAAAATTC-3'

ClinVar aggregate classification (germline): Pathogenic. Review status: criteria provided, multiple submitters, no conflicts (2 of 4 stars). 4 submissions from 4 submitters: Pathogenic (3). 1 of the submissions does not count toward it. Last evaluated 2026-04-02.

Conditions:
Hereditary cancer-predisposing syndrome. Also called: Neoplastic Syndromes, Hereditary; Tumor predisposition; Hereditary Cancer Syndrome; Hereditary neoplastic syndrome. Identifiers: Orphanet 140162, MedGen C0027672, MeSH D009386, MONDO:0015356.
Ataxia-telangiectasia syndrome (AT). Also called: LOUIS-BAR SYNDROME; Cerebello-oculocutaneous telangiectasia; Immunodeficiency with ataxia telangiectasia; Ataxia-telangiectasia, complementation group D; AT, COMPLEMENTATION GROUP C; ATAXIA-TELANGIECTASIA, COMPLEMENTATION GROUP A. Identifiers: Orphanet 100, MedGen C0004135, MONDO:0008840, OMIM 208900.
Breast carcinoma. Also called: Carcinoma of breast. Identifiers: MedGen C0678222, MONDO:0004989, HP:0003002.

Submissions (4):

Ambry Genetics
Classification: Pathogenic for Hereditary cancer-predisposing syndrome. Last evaluated: 2026-04-02. Review status: criteria provided, single submitter. Criteria: Ambry Variant Classification Scheme 2023. Collection method: clinical testing. Allele origin: germline.
Comment: The p.L2475* pathogenic mutation (also known as c.7424T>G), located in coding exon 49 of the ATM gene, results from a T to G substitution at nucleotide position 7424. This changes the amino acid from a leucine to a stop codon within coding exon 49. This variant is considered to be rare based on population cohorts in the Genome Aggregation Database (gnomAD). This alteration is expected to result in loss of function by premature protein truncation or nonsense-mediated mRNA decay. As such, this alteration is interpreted as a disease-causing mutation.

GeneDx
Classification: Pathogenic. Last evaluated: 2024-06-03. Review status: criteria provided, single submitter. Criteria: GeneDx Variant Classification Process June 2021. Collection method: clinical testing. Allele origin: germline. Affected: yes.
Comment: Nonsense variant predicted to result in protein truncation or nonsense mediated decay in a gene for which loss of function is a known mechanism of disease; Not observed at significant frequency in large population cohorts (gnomAD); Truncating variants in this gene are considered pathogenic by a well-established clinical consortium and/or database; This variant is associated with the following publications: (PMID: 32558426, 38355377)

Labcorp Genetics (formerly Invitae), Labcorp
Classification: Pathogenic for Ataxia-telangiectasia syndrome. Last evaluated: 2022-12-08. Review status: criteria provided, single submitter. Criteria: Invitae Variant Classification Sherloc (09022015). Collection method: clinical testing. Allele origin: germline.
Comment: This sequence change creates a premature translational stop signal (p.Leu2475*) in the ATM gene. It is expected to result in an absent or disrupted protein product. Loss-of-function variants in ATM are known to be pathogenic (PMID: 23807571, 25614872). For these reasons, this variant has been classified as Pathogenic. ClinVar contains an entry for this variant (Variation ID: 1192513). This premature translational stop signal has been observed in individual(s) with clinical features of ataxia-telangiectasia (PMID: 32558426). This variant is not present in population databases (gnomAD no frequency).

Medical Genetics Laboratory, Umraniye Training and Research Hospital, University of Health Sciences
Classification: Pathogenic for Breast carcinoma. Last evaluated: 2021-08-09. Review status: no assertion criteria provided. Collection method: clinical testing. Allele origin: germline. Inheritance: Autosomal dominant inheritance. Affected: yes. Observed: 1 variant allele, 1 heterozygote. Not counted in ClinVar's aggregate classification.

Literature cited by the submitters: PubMed 23807571 (cited by Labcorp Genetics (formerly Invitae), Labcorp); PubMed 25614872 (cited by Labcorp Genetics (formerly Invitae), Labcorp); PubMed 32558426 (cited by Labcorp Genetics (formerly Invitae), Labcorp).